The following is an entry in ClinVar:

ClinVar aggregate classification (germline): Conflicting classifications of pathogenicity. Review status: criteria provided, conflicting classifications (1 of 4 stars). 4 submissions from 4 submitters: Uncertain significance (3); Benign (1). Last evaluated 2025-10-23.

Conditions:
Hereditary cancer-predisposing syndrome. Also called: Tumor predisposition; Hereditary Cancer Syndrome; Neoplastic Syndromes, Hereditary; Hereditary neoplastic syndrome. Identifiers: Orphanet 140162, MedGen C0027672, MeSH D009386, MONDO:0015356.
Familial adenomatous polyposis 2. Also called: MYH-associated polyposis; FAP type 2; ADENOMAS, MULTIPLE COLORECTAL, AUTOSOMAL RECESSIVE; MUTYH Polyposis; MUTYH-associated polyposis; MUTYH-related attenuated familial adenomatous polyposis. Identifiers: Orphanet 220460, Orphanet 247798, MedGen C3272841, MONDO:0012041, OMIM 608456.

Allele frequency attached by ClinVar (database versions not stated): gnomAD exomes below 0.00001 and 0.00001; TOPMed below 0.00001; gnomAD 0.00001.
gnomAD v4.1: 17 of 1,614,072 alleles (0.0011%); highest among the groups gnomAD compares: Non-Finnish European, 0.0014%; no homozygotes.

Submissions (4):

Labcorp Genetics (formerly Invitae), Labcorp
Classification: Uncertain significance for Familial adenomatous polyposis 2. Last evaluated: 2025-10-23. Review status: criteria provided, single submitter. Criteria: Invitae Variant Classification Sherloc (09022015). Collection method: clinical testing. Allele origin: germline.
Comment: This sequence change replaces leucine, which is neutral and non-polar, with phenylalanine, which is neutral and non-polar, at codon 211 of the MUTYH protein (p.Leu211Phe). This variant is present in population databases (no rsID available, gnomAD 0.002%). This variant has not been reported in the literature in individuals affected with MUTYH-related conditions. ClinVar contains an entry for this variant (Variation ID: 233048). An algorithm developed to predict the effect of missense changes on protein structure and function outputs the following: PolyPhen-2: "Benign". The phenylalanine amino acid residue is found in multiple mammalian species, which suggests that this missense change does not adversely affect protein function. In summary, the available evidence is currently insufficient to determine the role of this variant in disease. Therefore, it has been classified as a Variant of Uncertain Significance.

Ambry Genetics
Classification: Benign for Hereditary cancer-predisposing syndrome. Last evaluated: 2025-09-16. Review status: criteria provided, single submitter. Criteria: Ambry Variant Classification Scheme 2023. Collection method: clinical testing. Allele origin: germline.

Color Diagnostics, LLC DBA Color Health
Classification: Uncertain significance for Hereditary cancer-predisposing syndrome. Last evaluated: 2024-03-06. Review status: criteria provided, single submitter. Criteria: ACMG Guidelines, 2015. Collection method: clinical testing. Allele origin: germline.
Comment: This missense variant replaces leucine with phenylalanine at codon 211 of the MUTYH protein. Computational prediction suggests that this variant may not impact protein structure and function (internally defined REVEL score threshold <= 0.5, PMID: 27666373). Splice site prediction tools suggest that this variant may not impact RNA splicing. To our knowledge, functional studies have not been performed for this variant. This variant has not been reported in individuals affected with hereditary cancer in the literature. This variant has been identified in 2/282798 chromosomes in the general population by the Genome Aggregation Database (gnomAD). The available evidence is insufficient to determine the role of this variant in disease conclusively. Therefore, this variant is classified as a Variant of Uncertain Significance.

All of Us Research Program, National Institutes of Health
Classification: Uncertain significance for Familial adenomatous polyposis 2. Last evaluated: 2023-05-23. Review status: criteria provided, single submitter. Criteria: ACMG Guidelines, 2015. Collection method: clinical testing. Allele origin: germline. Inheritance: Autosomal recessive inheritance. Observed: 1 variant allele, 1 heterozygote.
Comment: This missense variant replaces leucine with phenylalanine at codon 211 of the MUTYH protein. Computational prediction suggests that this variant may not impact protein structure and function (internally defined REVEL score threshold <= 0.5, PMID: 27666373). Splice site prediction tools suggest that this variant may not impact RNA splicing. To our knowledge, functional studies have not been performed for this variant. This variant has not been reported in individuals affected with hereditary cancer in the literature. This variant has been identified in 2/282798 chromosomes in the general population by the Genome Aggregation Database (gnomAD). The available evidence is insufficient to determine the role of this variant in disease conclusively. Therefore, this variant is classified as a Variant of Uncertain Significance.

This study involves interpretation of variants in research participants for the purpose of population health screening. Participant phenotype was not available at the time of variant classification. Additional details can be found in publication PMID: 35346344, PMCID: PMC8962531

NM_001048174.2(MUTYH):c.547C>T (p.Leu183Phe)

Gene: MUTYH (mutY DNA glycosylase; minus strand). Cytogenetic location: 1p34.1.
Variant type: single nucleotide variant.
Coding change: c.547C>T on transcript NM_001048174.2 (MANE Select); coding-DNA position 547, C replaced by T.
Protein change: p.Leu183Phe; replaces leucine 183 with phenylalanine.
Molecular consequence: missense variant. On other transcripts: non-coding transcript variant (2).
Genome position (GRCh38, 1-based): chr1:45,332,633, G>A on the plus strand (C>T on the coding strand, the complement: MUTYH is on the minus strand). VCF-style: chr1-45332633-G-A. GRCh37 (hg19) VCF-style: chr1-45798305-G-A.
Other names: c.547C>T, p.Leu183Phe (NM_001048171.2, NM_001048173.2, NM_001293195.2); c.550C>T, p.Leu184Phe (NM_001048172.2); c.631C>T, p.Leu211Phe (NM_001128425.2); c.592C>T, p.Leu198Phe (NM_001293190.2); c.580C>T, p.Leu194Phe (NM_001293191.2); c.271C>T, p.Leu91Phe (NM_001293192.2, NM_001293196.2); c.202C>T, p.Leu68Phe (NM_001350650.2, NM_001350651.2); c.622C>T, p.Leu208Phe (NM_012222.3); short protein forms L211F, L183F, L68F, L184F, L208F, L194F, L198F, L91F.
Identifiers: ClinVar variation 233048 (VCV000233048.21), dbSNP rs876660154, ClinGen allele CA10577728.